The following is an entry in ClinVar:

NM_001374353.1(GLI2):c.2209C>G (p.Arg737Gly)

Gene: GLI2 (GLI family zinc finger 2; plus strand). Cytogenetic location: 2q14.2.
Variant type: single nucleotide variant.
Coding change: c.2209C>G on transcript NM_001374353.1 (MANE Select); coding-DNA position 2209, C replaced by G.
Protein change: p.Arg737Gly; replaces arginine 737 with glycine.
Molecular consequence: missense variant.
Genome position (GRCh38, 1-based): chr2:120,986,581, C>G. VCF-style: chr2-120986581-C-G. GRCh37 (hg19) VCF-style: chr2-121744157-C-G.
Other names: c.2260C>G, p.Arg754Gly (NM_001371271.1, NM_005270.5); c.1834C>G, p.Arg612Gly (NM_001374354.1); short protein forms R612G, R754G, R737G.
Identifiers: ClinVar variation 5001271 (VCV005001271.1).

ClinVar aggregate classification (germline): Uncertain significance (1 of 4 stars; one submission).

Conditions:
GLI2-related disorder. Also called: GLI2-related condition; GLI2-related disorders.

gnomAD v4.1: 1 of 1,614,108 alleles (0.000062%); highest among the groups gnomAD compares: Non-Finnish European, 0.000085%; no homozygotes.

Submission:

PreventionGenetics, part of Exact Sciences
Classification: Uncertain significance for GLI2-related condition. Last evaluated: 2025-03-19. Review status: criteria provided, single submitter. Criteria: ACMG Guidelines, 2015. Collection method: clinical testing. Allele origin: germline.
Comment: The GLI2 c.2260C>G variant is predicted to result in the amino acid substitution p.Arg754Gly. To our knowledge, this variant has not been reported in the literature or in a large population database (gnomAD), indicating this variant is rare. At this time, the clinical significance of this variant is uncertain due to the absence of conclusive functional and genetic evidence.